The following is an entry in ClinVar:

NM_032119.4(ADGRV1):c.13201G>A (p.Glu4401Lys)

Gene: ADGRV1 (adhesion G protein-coupled receptor V1; plus strand). Cytogenetic location: 5q14.3.
Variant type: single nucleotide variant.
Coding change: c.13201G>A on transcript NM_032119.4 (MANE Select); coding-DNA position 13201, G replaced by A.
Protein change: p.Glu4401Lys; replaces glutamic acid 4401 with lysine.
Molecular consequence: missense variant. On other transcripts: non-coding transcript variant (1).
Genome position (GRCh38, 1-based): chr5:90,781,548, G>A. VCF-style: chr5-90781548-G-A. GRCh37 (hg19) VCF-style: chr5-90077365-G-A.
Other names: short protein forms E4401K.
Identifiers: ClinVar variation 228708 (VCV000228708.11), dbSNP rs876657819, ClinGen allele CA10576671.

ClinVar aggregate classification (germline): Uncertain significance. Review status: criteria provided, multiple submitters, no conflicts (2 of 4 stars). 2 submissions from 2 submitters: Uncertain significance (2). Last evaluated 2022-08-15.

Allele frequency attached by ClinVar (database versions not stated): TOPMed below 0.00001; gnomAD exomes 0.00001.
gnomAD v4.1: 11 of 1,610,682 alleles (0.00068%); highest among the groups gnomAD compares: Non-Finnish European, 0.00093%; no homozygotes.

Submissions (2):

Labcorp Genetics (formerly Invitae), Labcorp
Classification: Uncertain significance. Last evaluated: 2022-08-15. Review status: criteria provided, single submitter. Criteria: Invitae Variant Classification Sherloc (09022015). Collection method: clinical testing. Allele origin: germline.
Comment: In summary, the available evidence is currently insufficient to determine the role of this variant in disease. Therefore, it has been classified as a Variant of Uncertain Significance. Algorithms developed to predict the effect of missense changes on protein structure and function are either unavailable or do not agree on the potential impact of this missense change (SIFT: "Deleterious"; PolyPhen-2: "Possibly Damaging"; Align-GVGD: "Class C0"). ClinVar contains an entry for this variant (Variation ID: 228708). This variant has not been reported in the literature in individuals affected with ADGRV1-related conditions. This variant is not present in population databases (gnomAD no frequency). This sequence change replaces glutamic acid, which is acidic and polar, with lysine, which is basic and polar, at codon 4401 of the ADGRV1 protein (p.Glu4401Lys).

Laboratory for Molecular Medicine, Mass General Brigham Personalized Medicine
Classification: Uncertain significance. Last evaluated: 2015-08-18. Review status: criteria provided, single submitter. Criteria: LMM Criteria. Collection method: clinical testing. Allele origin: germline. Observed: 1 variant allele.
Comment: The p.Glu4401Lys variant in GPR98 has not been previously reported in individual s with hearing loss or Usher syndrome or in large population studies. Computatio nal prediction tools and conservation analysis do not provide strong support for or against an impact to the protein. In summary, the clinical significance of t he p.Glu4401Lys variant is uncertain.